The following is an entry in ClinVar:

ClinVar aggregate classification (germline): Uncertain significance (1 of 4 stars; one submission).

Conditions:
Hereditary cancer-predisposing syndrome. Also called: Hereditary Cancer Syndrome; Hereditary neoplastic syndrome; Neoplastic Syndromes, Hereditary; Tumor predisposition. Identifiers: Orphanet 140162, MedGen C0027672, MeSH D009386, MONDO:0015356.

Submission:

Ambry Genetics
Classification: Uncertain significance for Hereditary cancer-predisposing syndrome. Last evaluated: 2025-06-24. Review status: criteria provided, single submitter. Criteria: Ambry Variant Classification Scheme 2023. Collection method: clinical testing. Allele origin: germline.
Comment: The p.S3147A variant (also known as c.9439T>G), located in coding exon 24 of the BRCA2 gene, results from a T to G substitution at nucleotide position 9439. The serine at codon 3147 is replaced by alanine, an amino acid with similar properties. This amino acid position is conserved. In addition, the in silico prediction for this alteration is inconclusive. Based on the available evidence, the clinical significance of this variant remains unclear.

NM_000059.4(BRCA2):c.9439T>G (p.Ser3147Ala)

Gene: BRCA2 (BRCA2 DNA repair associated; plus strand). Cytogenetic location: 13q13.1.
Variant type: single nucleotide variant.
Coding change: c.9439T>G on transcript NM_000059.4 (MANE Select); coding-DNA position 9439, T replaced by G.
Protein change: p.Ser3147Ala; replaces serine 3147 with alanine.
Molecular consequence: missense variant. On other transcripts: non-coding transcript variant (1).
Genome position (GRCh38, 1-based): chr13:32,394,871, T>G. VCF-style: chr13-32394871-T-G. GRCh37 (hg19) VCF-style: chr13-32969008-T-G.
Other names: c.9343T>G, p.Ser3115Ala (NM_001406719.1); c.9388T>G, p.Ser3130Ala (NM_001406720.1); c.4507T>G, p.Ser1503Ala (NM_001406721.1); c.3022T>G, p.Ser1008Ala (NM_001406722.1); c.9439T>G, p.Ser3147Ala (NM_001432077.1); short protein forms S3147A, S3130A, S1008A, S1503A, S3115A.
Identifiers: ClinVar variation 4215801 (VCV004215801.1).